The following is an entry in ClinVar:

NM_015192.4(PLCB1):c.2279G>A (p.Arg760His)

Gene: PLCB1 (phospholipase C beta 1; plus strand). Cytogenetic location: 20p12.3.
Variant type: single nucleotide variant.
Coding change: c.2279G>A on transcript NM_015192.4 (MANE Select); coding-DNA position 2279, G replaced by A.
Protein change: p.Arg760His; replaces arginine 760 with histidine.
Molecular consequence: missense variant.
Genome position (GRCh38, 1-based): chr20:8,739,331, G>A. VCF-style: chr20-8739331-G-A. GRCh37 (hg19) VCF-style: chr20-8719978-G-A.
Other names: c.2279G>A, p.Arg760His (NM_182734.3); short protein forms R760H.
Identifiers: ClinVar variation 478582 (VCV000478582.7), dbSNP rs377440334, ClinGen allele CA9760178.

ClinVar aggregate classification (germline): Uncertain significance (1 of 4 stars; one submission).

Conditions:
Developmental and epileptic encephalopathy, 12 (DEE12). Identifiers: MedGen C3150988, MONDO:0013389, OMIM 613722.

Allele frequency attached by ClinVar (database versions not stated): gnomAD 0.00003 and 0.00004; gnomAD exomes 0.00003 and 0.00004; TOPMed 0.00003; ExAC 0.00005; ESP Exome Variant Server 0.00008.
gnomAD v4.1: 69 of 1,613,270 alleles (0.0043%); highest among the groups gnomAD compares: Non-Finnish European, 0.0053%; no homozygotes.

Submission:

Labcorp Genetics (formerly Invitae), Labcorp
Classification: Uncertain significance for Developmental and epileptic encephalopathy, 12. Last evaluated: 2023-11-28. Review status: criteria provided, single submitter. Criteria: Invitae Variant Classification Sherloc (09022015). Collection method: clinical testing. Allele origin: germline.
Comment: This sequence change replaces arginine, which is basic and polar, with histidine, which is basic and polar, at codon 760 of the PLCB1 protein (p.Arg760His). This variant is present in population databases (rs377440334, gnomAD 0.01%). This variant has not been reported in the literature in individuals affected with PLCB1-related conditions. ClinVar contains an entry for this variant (Variation ID: 478582). Advanced modeling of protein sequence and biophysical properties (such as structural, functional, and spatial information, amino acid conservation, physicochemical variation, residue mobility, and thermodynamic stability) performed at Invitae indicates that this missense variant is expected to disrupt PLCB1 protein function with a positive predictive value of 80%. In summary, the available evidence is currently insufficient to determine the role of this variant in disease. Therefore, it has been classified as a Variant of Uncertain Significance.